The following is an entry in ClinVar:

ClinVar aggregate classification (germline): Benign/Likely benign. Review status: criteria provided, multiple submitters, no conflicts (2 of 4 stars). 5 submissions from 5 submitters: Benign (2); Likely benign (3). Last evaluated 2025-08-04.

Conditions:
Episodic ataxia type 2 (EA2). Also called: ACETAZOLAMIDE-RESPONSIVE HEREDITARY PAROXYSMAL CEREBELLAR ATAXIA; ATAXIA, EPISODIC, WITH NYSTAGMUS; ATAXIA, FAMILIAL PAROXYSMAL; CEREBELLAR ATAXIA, PAROXYSMAL, ACETAZOLAMIDE-RESPONSIVE; CEREBELLOPATHY, HEREDITARY PAROXYSMAL; EPISODIC ATAXIA, NYSTAGMUS-ASSOCIATED. Identifiers: Orphanet 97, MedGen C1720416, MONDO:0007163, OMIM 108500.
Developmental and epileptic encephalopathy, 42 (DEE42A). Also called: Epileptic encephalopathy, early infantile, 42; DEVELOPMENTAL AND EPILEPTIC ENCEPHALOPATHY 42A; EPILEPTIC ENCEPHALOPATHY, EARLY INFANTILE, 42A. Identifiers: MedGen C4310716, MONDO:0014917, OMIM 617106.

Allele frequency attached by ClinVar (database versions not stated): TOPMed 0.00008; ESP Exome Variant Server 0.00010; ExAC 0.00018; 1000 Genomes Project 30x 0.00031; gnomAD 0.00062 and 0.00064.
gnomAD v4.1: 463 of 1,537,406 alleles (0.03%); highest among the groups gnomAD compares: Admixed American, 0.024%; 2 homozygotes.

Submissions (5):

Labcorp Genetics (formerly Invitae), Labcorp
Classification: Benign for Developmental and epileptic encephalopathy, 42; Episodic ataxia type 2. Last evaluated: 2025-08-04. Review status: criteria provided, single submitter. Criteria: Invitae Variant Classification Sherloc (09022015). Collection method: clinical testing. Allele origin: germline.

Mayo Clinic Laboratories, Mayo Clinic
Classification: Benign. Last evaluated: 2025-03-18. Review status: criteria provided, single submitter. Criteria: ACMG Guidelines, 2015. Collection method: clinical testing. Allele origin: germline. Observed: 1 variant allele.
Comment: BA1, BP4, BP7

Blueprint Genetics
Classification: Likely benign. Last evaluated: 2024-10-07. Review status: criteria provided, single submitter. Criteria: ACMG Guidelines, 2015. Collection method: clinical testing. Allele origin: germline.

CeGaT Center for Human Genetics Tuebingen
Classification: Likely benign. Last evaluated: 2022-06-01. Review status: criteria provided, single submitter. Criteria: CeGaT Center For Human Genetics Tuebingen Variant Classification Criteria Version 2. Collection method: clinical testing. Allele origin: germline. Affected: yes. Observed: 2 variant alleles.
Comment: CACNA1A: BP4, BP7

GeneDx
Classification: Likely benign. Last evaluated: 2020-12-21. Review status: criteria provided, single submitter. Criteria: GeneDx Variant Classification Process June 2021. Collection method: clinical testing. Allele origin: germline. Affected: yes.

NM_001127222.2(CACNA1A):c.6561C>T (p.Ser2187=)

Gene: CACNA1A (calcium voltage-gated channel subunit alpha1 A; minus strand). Cytogenetic location: 19p13.13.
Variant type: single nucleotide variant.
Coding change: c.6561C>T on transcript NM_001127222.2 (MANE Select); coding-DNA position 6561, C replaced by T.
Protein change: p.Ser2187=; no amino-acid change (serine 2187 retained).
Molecular consequence: synonymous variant.
Genome position (GRCh38, 1-based): chr19:13,208,975, G>A on the plus strand (C>T on the coding strand, the complement: CACNA1A is on the minus strand). VCF-style: chr19-13208975-G-A. GRCh37 (hg19) VCF-style: chr19-13319789-G-A.
Other names: p.Ser2188=; c.6579C>T, p.Ser2193= (NM_000068.4, NM_023035.3); c.6564C>T, p.Ser2188= (NM_001127221.2); c.6570C>T, p.Ser2190= (NM_001174080.2).
Identifiers: ClinVar variation 508790 (VCV000508790.46), dbSNP rs371116746, ClinGen allele CA9239331.
Genomic context (GRCh38, chr19:13,208,975, plus strand): 5'-ATGCTTCCGATCCTTGGGCCGGCCCCGCTCCTGGTCCCGCTCCTTCGACGGCAGGTCCCC[G>A]GATTGGGTGGTCATGCTCAGGTCTGTCCCCAAGCCTGGGCCGGGTGAGGGTCAGACAGAC-3'
Protein context (NP_001120694.1, residues 2177-2197): LGTDLSMTTQ[Ser2187=]GDLPSKERDQ